The following is an entry in ClinVar:

ClinVar aggregate classification (germline): Uncertain significance. Review status: criteria provided, single submitter (1 of 4 stars). 2 submissions from 2 submitters: Uncertain significance (1). 1 of the submissions does not count toward it. Last evaluated 2025-12-07.

Conditions:
Intellectual developmental disorder, X-linked 96. Also called: Intellectual disability, X-linked 96. Identifiers: Orphanet 777, MedGen C3275408, MONDO:0010429, OMIM 300802.

Submissions (2):

3billion
Classification: Uncertain significance for Intellectual developmental disorder, X-linked 96. Last evaluated: 2025-12-07. Review status: criteria provided, single submitter. Criteria: ACMG Guidelines, 2015. Collection method: clinical testing. Allele origin: germline. Affected: yes.
Comment: The variant is not observed in the gnomAD v4.1.0 dataset. Predicted Consequence/Location: Missense variant. The majority of the known disease-causing variants of this gene are variants expected to result in premature termination of the protein. In silico tool predictions suggest damaging effect of the variant on gene or gene product [REVEL: 0.80 (>=0.6, sensitivity 0.68 and specificity 0.92)]. The same nucleotide change resulting in the same amino acid change has been previously reported to be associated with SYP-related disorder (ClinVar ID: VCV000009866). However, the evidence of pathogenicity is insufficient at this time. Therefore, this variant is classified as VUS according to the recommendation of ACMG/AMP guideline.

OMIM
Classification: Pathogenic for INTELLECTUAL DEVELOPMENTAL DISORDER, X-LINKED 96. Last evaluated: 2009-05-01. Review status: no assertion criteria provided. Collection method: literature only. Allele origin: germline. Not counted in ClinVar's aggregate classification.

Literature cited by the submitters: PubMed 19377476 (cited by OMIM).

NM_003179.3(SYP):c.649G>C (p.Gly217Arg)

Gene: SYP (synaptophysin; minus strand). Cytogenetic location: Xp11.23.
Variant type: single nucleotide variant.
Coding change: c.649G>C on transcript NM_003179.3 (MANE Select); coding-DNA position 649, G replaced by C.
Protein change: p.Gly217Arg; replaces glycine 217 with arginine.
Molecular consequence: missense variant.
Genome position (GRCh38, 1-based): chrX:49,191,730, C>G on the plus strand (G>C on the coding strand, the complement: SYP is on the minus strand). VCF-style: chrX-49191730-C-G. GRCh37 (hg19) VCF-style: chrX-49048187-C-G.
Other names: short protein forms G217R.
Identifiers: ClinVar variation 9866 (VCV000009866.3), dbSNP rs137852561, ClinGen allele CA120798.